The following is an entry in ClinVar:

ClinVar aggregate classification (germline): Uncertain significance. Review status: criteria provided, multiple submitters, no conflicts (2 of 4 stars). 3 submissions from 3 submitters: Uncertain significance (3). Last evaluated 2025-11-26.

Conditions:
Cardiovascular phenotype. Identifiers: MedGen CN230736.

Allele frequency attached by ClinVar (database versions not stated): TOPMed below 0.00001; gnomAD 0.00001.
gnomAD v4.1: 28 of 1,549,868 alleles (0.0018%); highest among the groups gnomAD compares: Non-Finnish European, 0.0024%; no homozygotes.

Submissions (3):

Women's Health and Genetics/Laboratory Corporation of America, LabCorp
Classification: Uncertain significance. Last evaluated: 2025-11-26. Review status: criteria provided, single submitter. Criteria: LabCorp Variant Classification Summary - May 2015. Collection method: clinical testing. Allele origin: germline.
Comment: Variant summary: ZNF469 c.10558A>C (p.Thr3520Pro) results in a non-conservative amino acid change in the encoded protein sequence. Algorithms developed to predict the effect of missense changes on protein structure and function are either unavailable or do not agree on the potential impact of this missense change. The variant allele was found at a frequency of 1.3e-05 in 151714 control chromosomes. The available data on variant occurrences in the general population are insufficient to allow any conclusion about variant significance. To our knowledge, no occurrence of c.10558A>C in individuals affected with ZNF469-related conditions and no experimental evidence demonstrating its impact on protein function have been reported. ClinVar contains an entry for this variant (Variation ID: 1775619). Based on the evidence outlined above, the variant was classified as uncertain significance.

Ambry Genetics
Classification: Uncertain significance for Cardiovascular phenotype. Last evaluated: 2022-07-29. Review status: criteria provided, single submitter. Criteria: Ambry Variant Classification Scheme 2023. Collection method: clinical testing. Allele origin: germline.
Comment: The p.T3492P variant (also known as c.10474A>C), located in coding exon 2 of the ZNF469 gene, results from an A to C substitution at nucleotide position 10474. The threonine at codon 3492 is replaced by proline, an amino acid with highly similar properties. This amino acid position is conserved. In addition, this alteration is predicted to be tolerated by in silico analysis. Since supporting evidence is limited at this time, the clinical significance of this alteration remains unclear.

Labcorp Genetics (formerly Invitae), Labcorp
Classification: Uncertain significance. Last evaluated: 2022-02-11. Review status: criteria provided, single submitter. Criteria: Invitae Variant Classification Sherloc (09022015). Collection method: clinical testing. Allele origin: germline.
Comment: This sequence change replaces threonine, which is neutral and polar, with proline, which is neutral and non-polar, at codon 3492 of the ZNF469 protein (p.Thr3492Pro). This variant is present in population databases (no rsID available, gnomAD 0.004%). This variant has not been reported in the literature in individuals affected with ZNF469-related conditions. Algorithms developed to predict the effect of missense changes on protein structure and function output the following: SIFT: "Tolerated"; PolyPhen-2: "Benign"; Align-GVGD: "Class C0". The proline amino acid residue is found in multiple mammalian species, which suggests that this missense change does not adversely affect protein function. In summary, the available evidence is currently insufficient to determine the role of this variant in disease. Therefore, it has been classified as a Variant of Uncertain Significance.

NM_001367624.2(ZNF469):c.10558A>C (p.Thr3520Pro)

Gene: ZNF469 (zinc finger protein 469; plus strand). Cytogenetic location: 16q24.2.
Variant type: single nucleotide variant.
Coding change: c.10558A>C on transcript NM_001367624.2 (MANE Select); coding-DNA position 10558, A replaced by C.
Protein change: p.Thr3520Pro; replaces threonine 3520 with proline.
Molecular consequence: missense variant.
Genome position (GRCh38, 1-based): chr16:88,438,028, A>C. VCF-style: chr16-88438028-A-C. GRCh37 (hg19) VCF-style: chr16-88504436-A-C.
Other names: NM_001127464.1:c.10474A>C; short protein forms T3520P.
Identifiers: ClinVar variation 1775619 (VCV001775619.5), dbSNP rs1335332296, ClinGen allele CA397127218.
Genomic context (GRCh38, chr16:88,438,028, plus strand): 5'-CTGAGTGAGGGCTCTCTCCCGGCCCTGCTCCACCTGTGTTCGGAGGTGGCTCCCAGCACC[A>C]CCAAGGGATGGCCCGAGACCCTAGAGAGGCCTGTAGACCCCGTGACCCACCCGATCAGAG-3'
Protein context (NP_001354553.1, residues 3510-3530): HLCSEVAPST[Thr3520Pro]KGWPETLERP